The following is an entry in ClinVar:

ClinVar aggregate classification (germline): Uncertain significance. Review status: criteria provided, multiple submitters, no conflicts (2 of 4 stars). 2 submissions from 2 submitters: Uncertain significance (2). Last evaluated 2025-09-07.

Conditions:
Inborn genetic diseases. Identifiers: MedGen C0950123, MeSH D030342.
Glanzmann thrombasthenia. Also called: BLEEDING DISORDER, PLATELET-TYPE, 2; THROMBASTHENIA OF GLANZMANN AND NAEGELI; Thrombasthenia; Glanzmann's thrombasthenia; PLATELET GLYCOPROTEIN IIb-IIIa DEFICIENCY. Identifiers: Orphanet 849, MedGen C0040015, MONDO:0100326.

gnomAD v4.1: 2 of 1,613,552 alleles (0.00012%); highest among the groups gnomAD compares: African/African-American, 0.0013%; no homozygotes.

Submissions (2):

Labcorp Genetics (formerly Invitae), Labcorp
Classification: Uncertain significance for Glanzmann thrombasthenia. Last evaluated: 2025-09-07. Review status: criteria provided, single submitter. Criteria: Invitae Variant Classification Sherloc (09022015). Collection method: clinical testing. Allele origin: germline.
Comment: This sequence change replaces serine, which is neutral and polar, with phenylalanine, which is neutral and non-polar, at codon 534 of the ITGA2B protein (p.Ser534Phe). This variant is present in population databases (no rsID available, gnomAD 0.0009%). This variant has not been reported in the literature in individuals affected with ITGA2B-related conditions. ClinVar contains an entry for this variant (Variation ID: 3530350). Invitae Evidence Modeling of protein sequence and biophysical properties (such as structural, functional, and spatial information, amino acid conservation, physicochemical variation, residue mobility, and thermodynamic stability) has been performed for this missense variant. However, the output from this modeling did not meet the statistical confidence thresholds required to predict the impact of this variant on ITGA2B protein function. In summary, the available evidence is currently insufficient to determine the role of this variant in disease. Therefore, it has been classified as a Variant of Uncertain Significance.

Ambry Genetics
Classification: Uncertain significance for Inborn genetic diseases. Last evaluated: 2024-09-02. Review status: criteria provided, single submitter. Criteria: Ambry Variant Classification Scheme 2023. Collection method: clinical testing. Allele origin: germline.

NM_000419.5(ITGA2B):c.1601C>T (p.Ser534Phe)

Gene: ITGA2B (integrin subunit alpha 2b; minus strand). Cytogenetic location: 17q21.31.
Variant type: single nucleotide variant.
Coding change: c.1601C>T on transcript NM_000419.5 (MANE Select); coding-DNA position 1601, C replaced by T.
Protein change: p.Ser534Phe; replaces serine 534 with phenylalanine.
Molecular consequence: missense variant.
Genome position (GRCh38, 1-based): chr17:44,380,153, G>A on the plus strand (C>T on the coding strand, the complement: ITGA2B is on the minus strand). VCF-style: chr17-44380153-G-A. GRCh37 (hg19) VCF-style: chr17-42457521-G-A.
Other names: short protein forms S534F.
Identifiers: ClinVar variation 3530350 (VCV003530350.2).